The following is an entry in ClinVar:

ClinVar aggregate classification (germline): Uncertain significance (1 of 4 stars; one submission).

Conditions:
Fanconi anemia (FA). Also called: Fanconi's anemia. Identifiers: Orphanet 84, MedGen C0015625, MeSH D005199, MONDO:0019391.

Allele frequency attached by ClinVar (database versions not stated): gnomAD exomes below 0.00001 and 0.00001; ExAC 0.00001.
gnomAD v4.1: 5 of 1,614,158 alleles (0.00031%); highest among the groups gnomAD compares: Non-Finnish European, 0.000085%; no homozygotes.

Submission:

Labcorp Genetics (formerly Invitae), Labcorp
Classification: Uncertain significance for Fanconi anemia. Last evaluated: 2019-05-02. Review status: criteria provided, single submitter. Criteria: Invitae Variant Classification Sherloc (09022015). Collection method: clinical testing. Allele origin: germline.
Comment: This sequence change replaces glutamic acid with glycine at codon 993 of the SLX4 protein (p.Glu993Gly). The glutamic acid residue is weakly conserved and there is a moderate physicochemical difference between glutamic acid and glycine. In summary, the available evidence is currently insufficient to determine the role of this variant in disease. Therefore, it has been classified as a Variant of Uncertain Significance. Algorithms developed to predict the effect of missense changes on protein structure and function output the following: SIFT: "Tolerated"; PolyPhen-2: "Benign"; Align-GVGD: "Class C0". The glycine amino acid residue is found in multiple mammalian species, suggesting that this missense change does not adversely affect protein function. These predictions have not been confirmed by published functional studies and their clinical significance is uncertain. This variant has not been reported in the literature in individuals with SLX4-related conditions. This variant is present in population databases (rs759599459, ExAC 0.002%).

NM_032444.4(SLX4):c.2978A>G (p.Glu993Gly)

Gene: SLX4 (SLX4 structure-specific endonuclease subunit; minus strand). Cytogenetic location: 16p13.3.
Variant type: single nucleotide variant.
Coding change: c.2978A>G on transcript NM_032444.4 (MANE Select); coding-DNA position 2978, A replaced by G.
Protein change: p.Glu993Gly; replaces glutamic acid 993 with glycine.
Molecular consequence: missense variant.
Genome position (GRCh38, 1-based): chr16:3,590,660, T>C on the plus strand (A>G on the coding strand, the complement: SLX4 is on the minus strand). VCF-style: chr16-3590660-T-C. GRCh37 (hg19) VCF-style: chr16-3640661-T-C.
Other names: short protein forms E993G.
Identifiers: ClinVar variation 949524 (VCV000949524.9), dbSNP rs759599459, ClinGen allele CA7866026.
Genomic context (GRCh38, chr16:3,590,660, plus strand): 5'-TCCCTGACAGCGCCACTTTGTTCCTCGGGCTCACTTGTTATTTGGGACGGCTCTGAGATC[T>C]CTCCCTGAGTTGATGAGAAGAGCTGTTCGTAATCCCCGGCATCATCTGAGTGCGGAAGAG-3'
Protein context (NP_115820.2, residues 983-1003): YEQLFSSTQG[Glu993Gly]ISEPSQITSE